The following is an entry in ClinVar:

NM_000027.4(AGA):c.722C>A (p.Pro241His)

Gene: AGA (aspartylglucosaminidase; minus strand). Cytogenetic location: 4q34.3.
Variant type: single nucleotide variant.
Coding change: c.722C>A on transcript NM_000027.4 (MANE Select); coding-DNA position 722, C replaced by A.
Protein change: p.Pro241His; replaces proline 241 with histidine.
Molecular consequence: missense variant. On other transcripts: non-coding transcript variant (1).
Genome position (GRCh38, 1-based): chr4:177,434,466, G>T on the plus strand (C>A on the coding strand, the complement: AGA is on the minus strand). VCF-style: chr4-177434466-G-T. GRCh37 (hg19) VCF-style: chr4-178355620-G-T.
Other names: c.692C>A, p.Pro231His (NM_001171988.2); short protein forms P231H, P241H.
Identifiers: ClinVar variation 2664009 (VCV002664009.3), dbSNP rs140889732, ClinGen allele CA358782315.

ClinVar aggregate classification (germline): Uncertain significance. Review status: criteria provided, single submitter (1 of 4 stars). 2 submissions from 2 submitters: Uncertain significance (1). 1 of the submissions does not count toward it. Last evaluated 2026-06-01.

Conditions:
Aspartylglucosaminuria (AGU). Also called: AGA DEFICIENCY; GLYCOASPARAGINASE; GLYCOSYLASPARAGINASE DEFICIENCY; Aspartylglucos-aminuria; Aspartylglucos-amidase (AGA) deficiency. Identifiers: Orphanet 93, MedGen C0268225, MONDO:0008830, OMIM 208400, HP:0012068.

Submissions (2):

CeGaT Center for Human Genetics Tuebingen
Classification: Uncertain significance. Last evaluated: 2026-06-01. Review status: criteria provided, single submitter. Criteria: CeGaT Center For Human Genetics Tuebingen Variant Classification Criteria Version 2. Collection method: clinical testing. Allele origin: germline. Affected: yes. Observed: 1 variant allele.
Comment: AGA: PM2, PM3

Zotz-Klimas Genetics Lab, MVZ Zotz Klimas
Classification: Uncertain significance for Aspartylglucosaminuria. Last evaluated: 2023-11-24. Review status: no assertion criteria provided. Collection method: clinical testing. Allele origin: germline. Affected: yes. Not counted in ClinVar's aggregate classification.